The following is an entry in ClinVar:

ClinVar aggregate classification (germline): Benign (1 of 4 stars; one submission).

Conditions:
Holt-Oram syndrome (HOS). Also called: Ventriculo-radial syndrome; Cardiac-limb syndrome; Heart-hand syndrome, type 1; TBX5-Related Holt-Oram Syndrome. Identifiers: Orphanet 392, MedGen C0265264, MONDO:0007732, OMIM 142900.

Allele frequency attached by ClinVar (database versions not stated): 1000 Genomes Project 30x 0.00156; 1000 Genomes Project 0.00120; gnomAD 0.00038 and 0.00043; TOPMed 0.00099.

Submission:

Illumina Laboratory Services, Illumina
Classification: Benign for Holt-Oram syndrome. Last evaluated: 2018-01-12. Review status: criteria provided, single submitter. Criteria: ICSL Variant Classification Criteria 13 December 2019. Collection method: clinical testing. Allele origin: germline.
Comment: This variant was observed in the ICSL laboratory as part of a predisposition screen in an ostensibly healthy population. It had not been previously curated by ICSL or reported in the Human Gene Mutation Database (HGMD: prior to June 1st, 2018), and was therefore a candidate for classification through an automated scoring system. Utilizing variant allele frequency, disease prevalence and penetrance estimates, and inheritance mode, an automated score was calculated to assess if this variant is too frequent to cause the disease. Based on the score and internal cut-off values, a variant classified as benign is not then subjected to further curation. The score for this variant resulted in a classification of benign for this disease.

NM_181486.4(TBX5):c.*1373G>T

Gene: TBX5 (T-box transcription factor 5; minus strand). Cytogenetic location: 12q24.21.
Variant type: single nucleotide variant.
Coding change: c.*1373G>T on transcript NM_181486.4 (MANE Select); 1373 bases downstream of the stop codon, G replaced by T.
Molecular consequence: 3 prime UTR variant.
Genome position (GRCh38, 1-based): chr12:114,354,159, C>A on the plus strand (G>T on the coding strand, the complement: TBX5 is on the minus strand). VCF-style: chr12-114354159-C-A. GRCh37 (hg19) VCF-style: chr12-114791964-C-A.
Other names: c.*1373G>T (NM_000192.3, NM_080717.4).
Identifiers: ClinVar variation 307270 (VCV000307270.5), dbSNP rs192527148, ClinGen allele CA10632063.